The following is an entry in ClinVar:

Conditions:
Long QT syndrome 5 (LQT5). Identifiers: Orphanet 101016, Orphanet 768, MedGen C1867904, MONDO:0013372, OMIM 613695.

Submission:

Roden Lab, Vanderbilt University Medical Center
No classification provided (evidence only). Condition: Long QT syndrome 5. Review status: no classification provided. Collection method: in vitro. Allele origin: not applicable. Functional consequence: Effect on ion channel function.
ClinVar note: "not provided" was previously submitted as the classification for the variant. However, the classification appeared to be based only on an observation of functional data so it was converted to no classification on 2025-07-30.

NM_000219.6(KCNE1):c.61G>C (p.Val21Leu)

Gene: KCNE1 (potassium voltage-gated channel subfamily E regulatory subunit 1; minus strand). Cytogenetic location: 21q22.12.
Variant type: single nucleotide variant.
Coding change: c.61G>C on transcript NM_000219.6 (MANE Select); coding-DNA position 61, G replaced by C.
Protein change: p.Val21Leu; replaces valine 21 with leucine.
Molecular consequence: missense variant.
Genome position (GRCh38, 1-based): chr21:34,449,574, C>G on the plus strand (G>C on the coding strand, the complement: KCNE1 is on the minus strand). VCF-style: chr21-34449574-C-G. GRCh37 (hg19) VCF-style: chr21-35821872-C-G.
Other names: c.61G>C, p.Val21Leu (NM_001127668.4, NM_001127669.4, NM_001127670.4 and 4 more transcripts); short protein forms V21L.
Identifiers: ClinVar variation 3373938 (VCV003373938.2).